The following is an entry in ClinVar:

NM_015599.3(PGM3):c.493A>G (p.Met165Val)

Gene: PGM3 (phosphoglucomutase 3; minus strand). Cytogenetic location: 6q14.1.
Variant type: single nucleotide variant.
Coding change: c.493A>G on transcript NM_015599.3 (MANE Select); coding-DNA position 493, A replaced by G.
Protein change: p.Met165Val; replaces methionine 165 with valine.
Molecular consequence: missense variant. On other transcripts: non-coding transcript variant (1).
Genome position (GRCh38, 1-based): chr6:83,182,943, T>C on the plus strand (A>G on the coding strand, the complement: PGM3 is on the minus strand). VCF-style: chr6-83182943-T-C. GRCh37 (hg19) VCF-style: chr6-83892662-T-C.
Other names: c.577A>G, p.Met193Val (NM_001199917.2, NM_001367287.1); c.250A>G, p.Met84Val (NM_001199918.2); c.493A>G, p.Met165Val (NM_001199919.2, NM_001367286.1); c.577A>G (NM_001199917.1); short protein forms M165V, M193V, M84V.
Identifiers: ClinVar variation 1025846 (VCV001025846.7), dbSNP rs757625553, ClinGen allele CA3906742.
Genomic context (GRCh38, chr6:83,182,943, plus strand): 5'-GGTAGTAACCTTCTATAGTTGCCTTTCCATATCGGCCACCCGTGTTTCGACAATACACCA[T>C]GTAGTGCAGCTGGGGTGTTGTTAACAAGCCATAATCTGTCATAGAAATACAAAAAGCAAT-3'
Protein context (NP_056414.1, residues 155-175): GLLTTPQLHY[Met165Val]VYCRNTGGRY

ClinVar aggregate classification (germline): Uncertain significance. Review status: criteria provided, multiple submitters, no conflicts (2 of 4 stars). 2 submissions from 2 submitters: Uncertain significance (2). Last evaluated 2025-09-22.

Conditions:
Inborn genetic diseases. Identifiers: MedGen C0950123, MeSH D030342.
Immunodeficiency 23 (IMD23). Also called: IMMUNODEFICIENCY WITH HYPER IgE AND COGNITIVE IMPAIRMENT; IMMUNODEFICIENCY-VASCULITIS-MYOCLONUS SYNDROME. Identifiers: Orphanet 443811, MedGen C4014371, MONDO:0014353, OMIM 615816.

Allele frequency attached by ClinVar (database versions not stated): TOPMed 0.00001; gnomAD 0.00001.

Submissions (2):

Ambry Genetics
Classification: Uncertain significance for Inborn genetic diseases. Last evaluated: 2025-09-22. Review status: criteria provided, single submitter. Criteria: Ambry Variant Classification Scheme 2023. Collection method: clinical testing. Allele origin: germline.

Labcorp Genetics (formerly Invitae), Labcorp
Classification: Uncertain significance for Immunodeficiency 23. Last evaluated: 2022-08-23. Review status: criteria provided, single submitter. Criteria: Invitae Variant Classification Sherloc (09022015). Collection method: clinical testing. Allele origin: germline.
Comment: This sequence change replaces methionine, which is neutral and non-polar, with valine, which is neutral and non-polar, at codon 193 of the PGM3 protein (p.Met193Val). This variant is present in population databases (rs757625553, gnomAD 0.03%). This variant has not been reported in the literature in individuals affected with PGM3-related conditions. ClinVar contains an entry for this variant (Variation ID: 1025846). Algorithms developed to predict the effect of missense changes on protein structure and function (SIFT, PolyPhen-2, Align-GVGD) all suggest that this variant is likely to be tolerated. In summary, the available evidence is currently insufficient to determine the role of this variant in disease. Therefore, it has been classified as a Variant of Uncertain Significance.